The following is an entry in ClinVar:

NM_005732.4(RAD50):c.3125T>G (p.Leu1042Trp)

Gene: RAD50 (RAD50 double strand break repair protein; plus strand). Cytogenetic location: 5q31.1.
Variant type: single nucleotide variant.
Coding change: c.3125T>G on transcript NM_005732.4 (MANE Select); coding-DNA position 3125, T replaced by G.
Protein change: p.Leu1042Trp; replaces leucine 1042 with tryptophan.
Molecular consequence: missense variant.
Genome position (GRCh38, 1-based): chr5:132,616,091, T>G. VCF-style: chr5-132616091-T-G. GRCh37 (hg19) VCF-style: chr5-131951783-T-G.
Other names: short protein forms L1042W.
Identifiers: ClinVar variation 935771 (VCV000935771.13), dbSNP rs1751170270, ClinGen allele CA360963760.
Genomic context (GRCh38, chr5:132,616,091, plus strand): 5'-TTACTTTAAGAAAAAGAAATGAGGAACTAAAAGAAGTTGAAGAAGAAAGAAAACAACATT[T>G]GAAGGAAATGGGTCAAATGCAGGTTTTGCAAATGAAAAGGTATGCTTTTAAAATAATCTT-3'
Protein context (NP_005723.2, residues 1032-1052): KEVEEERKQH[Leu1042Trp]KEMGQMQVLQ

ClinVar aggregate classification (germline): Uncertain significance. Review status: criteria provided, multiple submitters, no conflicts (2 of 4 stars). 2 submissions from 2 submitters: Uncertain significance (2). Last evaluated 2025-12-04.

Conditions:
Hereditary cancer-predisposing syndrome. Also called: Tumor predisposition; Hereditary neoplastic syndrome; Hereditary Cancer Syndrome; Neoplastic Syndromes, Hereditary. Identifiers: Orphanet 140162, MedGen C0027672, MeSH D009386, MONDO:0015356.

Submissions (2):

Ambry Genetics
Classification: Uncertain significance for Hereditary cancer-predisposing syndrome. Last evaluated: 2025-12-04. Review status: criteria provided, single submitter. Criteria: Ambry Variant Classification Scheme 2023. Collection method: clinical testing. Allele origin: germline.
Comment: The p.L1042W variant (also known as c.3125T>G), located in coding exon 20 of the RAD50 gene, results from a T to G substitution at nucleotide position 3125. The leucine at codon 1042 is replaced by tryptophan, an amino acid with similar properties. This amino acid position is not well conserved in available vertebrate species. In addition, this alteration is predicted to be tolerated by in silico analysis. Since supporting evidence is limited at this time, the clinical significance of this alteration remains unclear.

Labcorp Genetics (formerly Invitae), Labcorp
Classification: Uncertain significance for Hereditary cancer-predisposing syndrome. Last evaluated: 2023-04-23. Review status: criteria provided, single submitter. Criteria: Invitae Variant Classification Sherloc (09022015). Collection method: clinical testing. Allele origin: germline.
Comment: Advanced modeling of protein sequence and biophysical properties (such as structural, functional, and spatial information, amino acid conservation, physicochemical variation, residue mobility, and thermodynamic stability) performed at Invitae indicates that this missense variant is expected to disrupt RAD50 protein function. In summary, the available evidence is currently insufficient to determine the role of this variant in disease. Therefore, it has been classified as a Variant of Uncertain Significance. ClinVar contains an entry for this variant (Variation ID: 935771). This variant has not been reported in the literature in individuals affected with RAD50-related conditions. This variant is not present in population databases (gnomAD no frequency). This sequence change replaces leucine, which is neutral and non-polar, with tryptophan, which is neutral and slightly polar, at codon 1042 of the RAD50 protein (p.Leu1042Trp).